The following is an entry in ClinVar:

ClinVar aggregate classification (germline): Conflicting classifications of pathogenicity. Review status: criteria provided, conflicting classifications (1 of 4 stars). 2 submissions from 2 submitters: Uncertain significance (1); Likely benign (1). Last evaluated 2025-10-18.

Conditions:
Inborn genetic diseases. Identifiers: MedGen C0950123, MeSH D030342.
Dyskeratosis congenita, autosomal recessive 5 (DKCB5). Identifiers: MedGen C3554656, MONDO:0014076, OMIM 615190.
Pulmonary fibrosis and/or bone marrow failure, Telomere-related, 3. Also called: PULMONARY FIBROSIS AND/OR BONE MARROW FAILURE SYNDROME, TELOMERE-RELATED, 3. Identifiers: Orphanet 2032, MedGen C4225346, MONDO:0014613, OMIM 616373.

Submissions (2):

Labcorp Genetics (formerly Invitae), Labcorp
Classification: Uncertain significance for Dyskeratosis congenita, autosomal recessive 5; Pulmonary fibrosis and/or bone marrow failure, Telomere-related, 3. Last evaluated: 2025-10-18. Review status: criteria provided, single submitter. Criteria: Invitae Variant Classification Sherloc (09022015). Collection method: clinical testing. Allele origin: germline.
Comment: This sequence change replaces valine, which is neutral and non-polar, with alanine, which is neutral and non-polar, at codon 1049 of the RTEL1 protein (p.Val1049Ala). This variant is not present in population databases (gnomAD no frequency). This variant has not been reported in the literature in individuals affected with RTEL1-related conditions. An algorithm developed to predict the effect of missense changes on protein structure and function outputs the following: PolyPhen-2: "Benign". The alanine amino acid residue is found in multiple mammalian species, which suggests that this missense change does not adversely affect protein function. In summary, the available evidence is currently insufficient to determine the role of this variant in disease. Therefore, it has been classified as a Variant of Uncertain Significance.

Ambry Genetics
Classification: Likely benign for Inborn genetic diseases. Last evaluated: 2025-10-02. Review status: criteria provided, single submitter. Criteria: Ambry Variant Classification Scheme 2023. Collection method: clinical testing. Allele origin: germline.

NM_001283009.2(RTEL1):c.3146T>C (p.Val1049Ala)

Genes: RTEL1 (regulator of telomere elongation helicase 1; plus strand), RTEL1-TNFRSF6B (RTEL1-TNFRSF6B readthrough (NMD candidate); plus strand). Cytogenetic location: 20q13.33.
Variant type: single nucleotide variant.
Coding change: c.3146T>C on transcript NM_001283009.2 (MANE Select); coding-DNA position 3146, T replaced by C.
Protein change: p.Val1049Ala; replaces valine 1049 with alanine.
Molecular consequence: missense variant. On other transcripts: non-coding transcript variant (1).
Genome position (GRCh38, 1-based): chr20:63,694,777, T>C. VCF-style: chr20-63694777-T-C. GRCh37 (hg19) VCF-style: chr20-62326130-T-C.
Other names: c.2477T>C, p.Val826Ala (NM_001283010.1); c.3146T>C, p.Val1049Ala (NM_016434.4); c.3218T>C, p.Val1073Ala (NM_032957.5); short protein forms V826A, V1049A, V1073A.
Identifiers: ClinVar variation 4629527 (VCV004629527.2).